The following is an entry in ClinVar:

ClinVar aggregate classification (germline): Uncertain significance. Review status: criteria provided, multiple submitters, no conflicts (2 of 4 stars). 4 submissions from 4 submitters: Uncertain significance (4). Last evaluated 2025-05-03.

Conditions:
Inborn genetic diseases. Identifiers: MedGen C0950123, MeSH D030342.
Autoimmune enteropathy and endocrinopathy - susceptibility to chronic infections syndrome. Also called: Immunodeficiency 31C; Immunodeficiency 31C, autosomal dominant. Identifiers: Orphanet 391487, MedGen C3279990, MONDO:0013599, OMIM 614162.
Immunodeficiency 31B. Also called: STAT1 DEFICIENCY, AUTOSOMAL RECESSIVE; IMMUNODEFICIENCY 31B, MYCOBACTERIAL AND VIRAL INFECTIONS, AUTOSOMAL RECESSIVE. Identifiers: Orphanet 391311, MedGen C3151088, MONDO:0013427, OMIM 613796.
Mendelian susceptibility to mycobacterial diseases due to partial STAT1 deficiency. Also called: IMMUNODEFICIENCY 31A, MYCOBACTERIOSIS, AUTOSOMAL DOMINANT; STAT1 DEFICIENCY, AUTOSOMAL DOMINANT; Immunodeficiency 31a. Identifiers: Orphanet 319595, MedGen C4013950, MONDO:0013956, OMIM 614892.

gnomAD v4.1: 60 of 1,614,068 alleles (0.0037%); highest among the groups gnomAD compares: Non-Finnish European, 0.0044%; no homozygotes.

Submissions (4):

Ambry Genetics
Classification: Uncertain significance for Inborn genetic diseases. Last evaluated: 2025-05-03. Review status: criteria provided, single submitter. Criteria: Ambry Variant Classification Scheme 2023. Collection method: clinical testing. Allele origin: germline.

Labcorp Genetics (formerly Invitae), Labcorp
Classification: Uncertain significance for Mendelian susceptibility to mycobacterial diseases due to partial STAT1 deficiency; Immunodeficiency 31B; Autoimmune enteropathy and endocrinopathy - susceptibility to chronic infections syndrome. Last evaluated: 2025-03-12. Review status: criteria provided, single submitter. Criteria: Invitae Variant Classification Sherloc (09022015). Collection method: clinical testing. Allele origin: germline.
Comment: This sequence change replaces isoleucine, which is neutral and non-polar, with threonine, which is neutral and polar, at codon 671 of the STAT1 protein (p.Ile671Thr). This variant is present in population databases (rs747656964, gnomAD 0.01%). This variant has not been reported in the literature in individuals affected with STAT1-related conditions. An algorithm developed to predict the effect of missense changes on protein structure and function outputs the following: PolyPhen-2: "Benign". The threonine amino acid residue is found in multiple mammalian species, which suggests that this missense change does not adversely affect protein function. In summary, the available evidence is currently insufficient to determine the role of this variant in disease. Therefore, it has been classified as a Variant of Uncertain Significance.

CeGaT Center for Human Genetics Tuebingen
Classification: Uncertain significance. Last evaluated: 2024-12-01. Review status: criteria provided, single submitter. Criteria: CeGaT Center For Human Genetics Tuebingen Variant Classification Criteria Version 2. Collection method: clinical testing. Allele origin: germline. Affected: yes. Observed: 1 variant allele.
Comment: STAT1: PM2, PP2, PP3

Blueprint Genetics
Classification: Uncertain significance. Last evaluated: 2024-07-16. Review status: criteria provided, single submitter. Criteria: ACMG Guidelines, 2015. Collection method: clinical testing. Allele origin: germline.

NM_007315.4(STAT1):c.2012T>C (p.Ile671Thr)

Gene: STAT1 (signal transducer and activator of transcription 1; minus strand). Cytogenetic location: 2q32.2.
Variant type: single nucleotide variant.
Coding change: c.2012T>C on transcript NM_007315.4 (MANE Select); coding-DNA position 2012, T replaced by C.
Protein change: p.Ile671Thr; replaces isoleucine 671 with threonine.
Molecular consequence: missense variant. On other transcripts: intron variant (1).
Genome position (GRCh38, 1-based): chr2:190,976,887, A>G on the plus strand (T>C on the coding strand, the complement: STAT1 is on the minus strand). VCF-style: chr2-190976887-A-G. GRCh37 (hg19) VCF-style: chr2-191841613-A-G.
Other names: c.1952T>C, p.Ile651Thr (NM_001384880.1); c.2018T>C, p.Ile673Thr (NM_001384881.1); c.2006T>C, p.Ile669Thr (NM_001384882.1); c.1913T>C, p.Ile638Thr (NM_001384883.1); c.1853T>C, p.Ile618Thr (NM_001384885.1); c.2012T>C, p.Ile671Thr (NM_001384886.1, NM_139266.3, NM_001384889.1); c.1962+56T>C (NM_001384884.1); c.1919T>C, p.Ile640Thr (NM_001384887.1); and 3 more; short protein forms I618T, I638T, I640T, I641T, I651T, I661T, I669T, I671T.
Identifiers: ClinVar variation 3771149 (VCV003771149.15).
Genomic context (GRCh38, chr2:190,976,887, plus strand): 5'-TTGCCCCACTTACCTTCCTTTGGCCTGGAGTAATACTTTCCAAAGGCATGGTCTTTGTCA[A>G]TATTTGGATACAGATACTTCAGGGGATTCTCAGGAATATTCTCAGCAGCCATGACTTTGT-3'
Protein context (NP_009330.1, residues 661-681): ENPLKYLYPN[Ile671Thr]DKDHAFGKYY